The following is an entry in ClinVar:

ClinVar aggregate classification (germline): Uncertain significance (1 of 4 stars; one submission).

gnomAD v4.1: 11 of 1,570,204 alleles (0.0007%); highest among the groups gnomAD compares: African/African-American, 0.0014%; no homozygotes.

Submission:

Labcorp Genetics (formerly Invitae), Labcorp
Classification: Uncertain significance. Last evaluated: 2022-07-26. Review status: criteria provided, single submitter. Criteria: Invitae Variant Classification Sherloc (09022015). Collection method: clinical testing. Allele origin: germline.
Comment: This sequence change replaces isoleucine, which is neutral and non-polar, with leucine, which is neutral and non-polar, at codon 3032 of the FAT1 protein (p.Ile3032Leu). This variant is present in population databases (rs764196723, gnomAD 0.001%). This variant has not been reported in the literature in individuals affected with FAT1-related conditions. Algorithms developed to predict the effect of missense changes on protein structure and function (SIFT, PolyPhen-2, Align-GVGD) all suggest that this variant is likely to be tolerated. In summary, the available evidence is currently insufficient to determine the role of this variant in disease. Therefore, it has been classified as a Variant of Uncertain Significance.

NM_005245.4(FAT1):c.9094A>C (p.Ile3032Leu)

Gene: FAT1 (FAT atypical cadherin 1; minus strand). Cytogenetic location: 4q35.2.
Variant type: single nucleotide variant.
Coding change: c.9094A>C on transcript NM_005245.4 (MANE Select); coding-DNA position 9094, A replaced by C.
Protein change: p.Ile3032Leu; replaces isoleucine 3032 with leucine.
Molecular consequence: missense variant.
Genome position (GRCh38, 1-based): chr4:186,614,326, T>G on the plus strand (A>C on the coding strand, the complement: FAT1 is on the minus strand). VCF-style: chr4-186614326-T-G. GRCh37 (hg19) VCF-style: chr4-187535480-T-G.
Other names: short protein forms I3032L.
Identifiers: ClinVar variation 1975991 (VCV001975991.2), dbSNP rs764196723, ClinGen allele CA3165738.